The following is an entry in ClinVar:

NM_014362.4(HIBCH):c.1128del (p.Phe376fs)

Gene: HIBCH (3-hydroxyisobutyryl-CoA hydrolase; minus strand). Cytogenetic location: 2q32.2.
Variant type: Deletion.
Coding change: c.1128del on transcript NM_014362.4 (MANE Select); coding-DNA position 1128, one base deleted (T; older notation c.1128delT).
Protein change: p.Phe376fs; shifts the reading frame from phenylalanine 376.
Molecular consequence: frameshift variant. On other transcripts: 3 prime UTR variant (1).
Genome position (GRCh38, 1-based): chr2:190,205,150, A deleted on the plus strand (T on the coding strand, the reverse complement: HIBCH is on the minus strand); the first of 3 consecutive A bases (chr2:190,205,150-190,205,152); deleting any one gives the same sequence. VCF-style (leftmost placement, unchanged base first): chr2-190205149-TA-T. GRCh37 (hg19) VCF-style: chr2-191069875-TA-T.
Other names: c.*77del (NM_198047.3); short protein forms F376fs.
Identifiers: ClinVar variation 1467805 (VCV001467805.6), dbSNP rs863225062, ClinGen allele CA1040501088.

ClinVar aggregate classification (germline): Uncertain significance (1 of 4 stars; one submission).

Conditions:
3-hydroxyisobutyryl-CoA hydrolase deficiency. Also called: HIBCH DEFICIENCY; METHACRYLIC ACID TOXICITY; METHACRYLIC ACIDURIA; VALINE METABOLIC DEFECT; Reduced circulating 3-hydroxyisobutyryl-CoA hydrolase activity; Deficiency of 3-hydroxyisobutyryl CoA hydrolase. Identifiers: Orphanet 88639, MedGen C0342738, MONDO:0009603, OMIM 250620, HP:6000215.

Submission:

Labcorp Genetics (formerly Invitae), Labcorp
Classification: Uncertain significance for 3-hydroxyisobutyryl-CoA hydrolase deficiency. Last evaluated: 2024-11-05. Review status: criteria provided, single submitter. Criteria: Invitae Variant Classification Sherloc (09022015). Collection method: clinical testing. Allele origin: germline.
Comment: This sequence change creates a premature translational stop signal (p.Phe376Leufs*9) in the HIBCH gene. While this is not anticipated to result in nonsense mediated decay, it is expected to disrupt the last 11 amino acid(s) of the HIBCH protein. This variant is not present in population databases (gnomAD no frequency). This variant has not been reported in the literature in individuals affected with HIBCH-related conditions. ClinVar contains an entry for this variant (Variation ID: 1467805). This variant disrupts a region of the HIBCH protein in which other variant(s) (p.Lys377*) have been observed in individuals with HIBCH-related conditions (PMID: 25251209). This suggests that this is a clinically significant region of the protein, and that variants that disrupt it are likely to be disease-causing. In summary, the available evidence is currently insufficient to determine the role of this variant in disease. Therefore, it has been classified as a Variant of Uncertain Significance.

Literature cited by the submitters: PubMed 25251209.